The following is an entry in ClinVar:

ClinVar aggregate classification (germline): Benign. Review status: criteria provided, multiple submitters, no conflicts (2 of 4 stars). 6 submissions from 6 submitters: Benign (6). Last evaluated 2026-02-04.

Conditions:
Vitreoretinopathy. Also called: Vitreoretinal degeneration. Identifiers: MedGen C0344290, MONDO:0020248, HP:0007773.
Wagner disease. Also called: WAGNER SYNDROME 1; Wagner syndrome; HYALOIDEORETINAL DEGENERATION OF WAGNER; WAGNER VITREORETINOPATHY; Wagner Vitreoretinal Degeneration (Wagner Synrdome); WAGNER VITREORETINAL DEGENERATION. Identifiers: Orphanet 898, MedGen C1840452, MONDO:0007740, OMIM 143200.

Allele frequency attached by ClinVar (database versions not stated): 1000 Genomes Project 0.34225; 1000 Genomes Project 30x 0.34603; ExAC 0.34828; gnomAD exomes 0.35087 and 0.36832; gnomAD 0.39326 and 0.40199; TOPMed 0.40143; ESP Exome Variant Server 0.40781.
gnomAD v4.1: 597,618 of 1,613,948 alleles (37%); highest among the groups gnomAD compares: African/African-American, 48%; 113,270 homozygotes.

Submissions (6):

Labcorp Genetics (formerly Invitae), Labcorp
Classification: Benign. Last evaluated: 2026-02-04. Review status: criteria provided, single submitter. Criteria: Invitae Variant Classification Sherloc (09022015). Collection method: clinical testing. Allele origin: germline.

Blueprint Genetics
Classification: Benign. Last evaluated: 2024-11-27. Review status: criteria provided, single submitter. Criteria: ACMG Guidelines, 2015. Collection method: clinical testing. Allele origin: germline.

Genome-Nilou Lab
Classification: Benign for Wagner disease. Last evaluated: 2021-12-05. Review status: criteria provided, single submitter. Criteria: ACMG Guidelines, 2015. Collection method: clinical testing. Allele origin: germline. Affected: no.

GeneDx
Classification: Benign. Last evaluated: 2018-10-02. Review status: criteria provided, single submitter. Criteria: GeneDx Variant Classification Process June 2021. Collection method: clinical testing. Allele origin: germline. Affected: yes.

Illumina Laboratory Services, Illumina
Classification: Benign for Vitreoretinopathy. Last evaluated: 2018-01-13. Review status: criteria provided, single submitter. Criteria: ICSL Variant Classification Criteria 13 December 2019. Collection method: clinical testing. Allele origin: germline.
Comment: This variant was observed in the ICSL laboratory as part of a predisposition screen in an ostensibly healthy population. It had not been previously curated by ICSL or reported in the Human Gene Mutation Database (HGMD: prior to June 1st, 2018), and was therefore a candidate for classification through an automated scoring system. Utilizing variant allele frequency, disease prevalence and penetrance estimates, and inheritance mode, an automated score was calculated to assess if this variant is too frequent to cause the disease. Based on the score and internal cut-off values, a variant classified as benign is not then subjected to further curation. The score for this variant resulted in a classification of benign for this disease.

PreventionGenetics, part of Exact Sciences
Classification: Benign. Review status: criteria provided, single submitter. Criteria: ACMG Guidelines, 2015. Collection method: clinical testing. Allele origin: germline.

NM_004385.5(VCAN):c.348T>C (p.Thr116=)

Gene: VCAN (versican; plus strand). Cytogenetic location: 5q14.2.
Variant type: single nucleotide variant.
Coding change: c.348T>C on transcript NM_004385.5 (MANE Select); coding-DNA position 348, T replaced by C.
Protein change: p.Thr116=; no amino-acid change (threonine 116 retained).
Molecular consequence: synonymous variant.
Genome position (GRCh38, 1-based): chr5:83,490,375, T>C. VCF-style: chr5-83490375-T-C. GRCh37 (hg19) VCF-style: chr5-82786194-T-C.
Other names: c.348T>C, p.Thr116= (NM_001126336.3, NM_001164097.2, NM_001164098.2).
Identifiers: ClinVar variation 259363 (VCV000259363.19), dbSNP rs12332199, ClinGen allele CA3332429.